The following is an entry in ClinVar:

ClinVar aggregate classification (germline): Likely pathogenic (1 of 4 stars; one submission).

Conditions:
X-linked mixed hearing loss with perilymphatic gusher. Also called: Deafness, X-linked 2; NANCE DEAFNESS; PERILYMPHATIC GUSHER-DEAFNESS SYNDROME; SENSORINEURAL DEAFNESS, PROFOUND, WITH OR WITHOUT A CONDUCTIVE COMPONENT, ASSOCIATED WITH A UNIQUE DEVELOPMENTAL ABNORMALITY OF THE EAR; Gusher syndrome. Identifiers: Orphanet 383, MedGen C1844678, MONDO:0010576, OMIM 304400.

Submission:

Institute of Rare Diseases, West China Hospital, Sichuan University
Classification: Likely pathogenic for X-linked mixed hearing loss with perilymphatic gusher. Last evaluated: 2025-01-09. Review status: criteria provided, single submitter. Criteria: ClinGen HL ACMG Specifications v1. Collection method: research. Allele origin: germline. Affected: yes.
Comment: PM1;PM5;PM2_Supporting;PP3

NM_000307.5(POU3F4):c.962T>A (p.Val321Glu)

Gene: POU3F4 (POU class 3 homeobox 4; plus strand). Cytogenetic location: Xq21.1.
Variant type: single nucleotide variant.
Coding change: c.962T>A on transcript NM_000307.5 (MANE Select); coding-DNA position 962, T replaced by A.
Protein change: p.Val321Glu; replaces valine 321 with glutamic acid.
Molecular consequence: missense variant.
Genome position (GRCh38, 1-based): chrX:83,509,286, T>A. VCF-style: chrX-83509286-T-A. GRCh37 (hg19) VCF-style: chrX-82764294-T-A.
Other names: short protein forms V321E.
Identifiers: ClinVar variation 3601687 (VCV003601687.1).
Genomic context (GRCh38, chrX:83,509,286, plus strand): 5'-CCAAGCCTGCCGCGCAGGAGATCTCCTCGCTGGCAGACAGCCTCCAGTTGGAGAAGGAAG[T>A]GGTGCGTGTCTGGTTCTGTAATCGAAGACAAAAAGAGAAAAGAATGACTCCGCCAGGGGA-3'
Protein context (NP_000298.3, residues 311-331): LADSLQLEKE[Val321Glu]VRVWFCNRRQ